The following is an entry in ClinVar:

NM_003640.5(ELP1):c.1071C>A (p.Tyr357Ter)

Gene: ELP1 (elongator acetyltransferase complex subunit 1; minus strand). Cytogenetic location: 9q31.3.
Variant type: single nucleotide variant.
Coding change: c.1071C>A on transcript NM_003640.5 (MANE Select); coding-DNA position 1071, C replaced by A.
Protein change: p.Tyr357Ter; replaces tyrosine 357 with a stop codon.
Molecular consequence: nonsense.
Genome position (GRCh38, 1-based): chr9:108,912,382, G>T on the plus strand (C>A on the coding strand, the complement: ELP1 is on the minus strand). VCF-style: chr9-108912382-G-T. GRCh37 (hg19) VCF-style: chr9-111674662-G-T.
Other names: c.729C>A, p.Tyr243Ter (NM_001318360.2); c.24C>A, p.Tyr8Ter (NM_001330749.2); short protein forms Y243*, Y357*, Y8*.
Identifiers: ClinVar variation 4815163 (VCV004815163.1).

ClinVar aggregate classification (germline): Likely pathogenic (1 of 4 stars; one submission).

Conditions:
Familial dysautonomia. Also called: HSAN III; FD. Identifiers: Orphanet 1764, MedGen C0013364, MONDO:0009131, OMIM 223900. Disease mechanism: loss of function.

Submission:

Natera, Inc.
Classification: Likely pathogenic for Familial dysautonomia. Last evaluated: 2024-07-31. Review status: criteria provided, single submitter. Criteria: Natera Variant Classification Schema (03/2026). Collection method: clinical testing. Allele origin: germline.
Comment: The c.1071C>A variant in ELP1 is a nonsense variant predicted to introduce a stop codon at amino acid 357. This variant is expected to result in nonsense mediated decay, truncation, or a dysfunctional protein product. This variant is rare in the general population with a frequency below the threshold expected for the associated phenotype(s). Given the available evidence, this variant is classified as Likely Pathogenic.